The following is an entry in ClinVar:

NM_001166108.2(PALLD):c.1063A>G (p.Thr355Ala)

Gene: PALLD (palladin, cytoskeletal associated protein; plus strand). Cytogenetic location: 4q32.3.
Variant type: single nucleotide variant.
Coding change: c.1063A>G on transcript NM_001166108.2 (MANE Select); coding-DNA position 1063, A replaced by G.
Protein change: p.Thr355Ala; replaces threonine 355 with alanine.
Molecular consequence: missense variant. On other transcripts: 5 prime UTR variant (1).
Genome position (GRCh38, 1-based): chr4:168,668,344, A>G. VCF-style: chr4-168668344-A-G. GRCh37 (hg19) VCF-style: chr4-169589495-A-G.
Other names: c.-84A>G (NM_001166109.2); c.1063A>G, p.Thr355Ala (NM_016081.4); short protein forms T355A.
Identifiers: ClinVar variation 3226710 (VCV003226710.1), dbSNP rs2531425920, ClinGen allele CA358793912.
Genomic context (GRCh38, chr4:168,668,344, plus strand): 5'-TTTGAGGACGACACAGGTCGCTACACCTGTTTGGCTACGAATCCCAGCGGCTCAGACACA[A>G]CATCTGCTGAGGTGTTCATTGAAGGTAAGGAGGGGTGCCTGGTAATGGGGGATAAAGGGG-3'
Protein context (NP_001159580.1, residues 345-365): LATNPSGSDT[Thr355Ala]SAEVFIEGAS

ClinVar aggregate classification (germline): Uncertain significance (1 of 4 stars; one submission).

Submission:

Ambry Genetics
Classification: Uncertain significance. Last evaluated: 2023-01-21. Review status: criteria provided, single submitter. Criteria: Ambry Variant Classification Scheme 2023. Collection method: clinical testing. Allele origin: germline.
Comment: The p.T355A variant (also known as c.1063A>G), located in coding exon 2 of the PALLD gene, results from an A to G substitution at nucleotide position 1063. The threonine at codon 355 is replaced by alanine, an amino acid with similar properties. This amino acid position is conserved. In addition, the in silico prediction for this alteration is inconclusive. Since supporting evidence is limited at this time, the clinical significance of this alteration remains unclear.